The following is an entry in ClinVar:

NM_006231.4(POLE):c.6649C>T (p.Gln2217Ter)

Gene: POLE (DNA polymerase epsilon, catalytic subunit; minus strand). Cytogenetic location: 12q24.33.
Variant type: single nucleotide variant.
Coding change: c.6649C>T on transcript NM_006231.4 (MANE Select); coding-DNA position 6649, C replaced by T.
Protein change: p.Gln2217Ter; replaces glutamine 2217 with a stop codon.
Molecular consequence: nonsense.
Genome position (GRCh38, 1-based): chr12:132,625,653, G>A on the plus strand (C>T on the coding strand, the complement: POLE is on the minus strand). VCF-style: chr12-132625653-G-A. GRCh37 (hg19) VCF-style: chr12-133202239-G-A.
Other names: short protein forms Q2217*.
Identifiers: ClinVar variation 826531 (VCV000826531.7), dbSNP rs1593696238, ClinGen allele CA387366425.

ClinVar aggregate classification (germline): Conflicting classifications of pathogenicity. Review status: criteria provided, conflicting classifications (1 of 4 stars). 2 submissions from 2 submitters: Pathogenic (1); Uncertain significance (1). Last evaluated 2026-01-07.

Conditions:
Hereditary cancer-predisposing syndrome. Also called: Hereditary Cancer Syndrome; Tumor predisposition; Neoplastic Syndromes, Hereditary; Hereditary neoplastic syndrome. Identifiers: Orphanet 140162, MedGen C0027672, MeSH D009386, MONDO:0015356.

Submissions (2):

Ambry Genetics
Classification: Uncertain significance for Hereditary cancer-predisposing syndrome. Last evaluated: 2026-01-07. Review status: criteria provided, single submitter. Criteria: Ambry Variant Classification Scheme 2023. Collection method: clinical testing. Allele origin: germline.
Comment: The p.Q2217* variant (also known as c.6649C>T), located in coding exon 47 of the POLE gene, results from a C to T substitution at nucleotide position 6649. This changes the amino acid from a glutamine to a stop codon within coding exon 47. This alteration is expected to result in loss of function by premature protein truncation or nonsense-mediated mRNA decay. Although biallelic loss of function of POLE has been associated with autosomal recessive POLE deficiency, haploinsufficiency of POLE has not been established as a mechanism of disease for POLE-related polymerase proofreading-associated polyposis (PPAP) and POLE-related CMMRD-like syndrome. Based on the supporting evidence, this variant is expected to be causative of POLE deficiency when present along with a second pathogenic variant on the other allele; however, its clinical significance for PPAP and POLE-related CMMRD-like syndrome is unclear.

Labcorp Genetics (formerly Invitae), Labcorp
Classification: Pathogenic. Last evaluated: 2024-04-27. Review status: criteria provided, single submitter. Criteria: Invitae Variant Classification Sherloc (09022015). Collection method: clinical testing. Allele origin: germline.
Comment: This sequence change creates a premature translational stop signal (p.Gln2217*) in the POLE gene. It is expected to result in an absent or disrupted protein product. Loss-of-function variants in POLE are known to be pathogenic (PMID: 23230001, 25948378, 30503519). This variant is not present in population databases (gnomAD no frequency). This variant has not been reported in the literature in individuals affected with POLE-related conditions. ClinVar contains an entry for this variant (Variation ID: 826531). For these reasons, this variant has been classified as Pathogenic.

Literature cited by the submitters: PubMed 23230001 (cited by Labcorp Genetics (formerly Invitae), Labcorp); PubMed 25948378 (cited by Labcorp Genetics (formerly Invitae), Labcorp); PubMed 30503519 (cited by Labcorp Genetics (formerly Invitae), Labcorp).